The following is an entry in ClinVar:

ClinVar aggregate classification (germline): Uncertain significance. Review status: criteria provided, multiple submitters, no conflicts (2 of 4 stars). 2 submissions from 2 submitters: Uncertain significance (2). Last evaluated 2024-04-11.

Conditions:
Severe combined immunodeficiency due to DNA-PKcs deficiency. Also called: Immunodeficiency 26 with or without neurologic abnormalities; IMMUNODEFICIENCY 26 WITH NEUROLOGIC ABNORMALITIES. Identifiers: Orphanet 317425, MedGen C4014833, MONDO:0014423, OMIM 615966.

Allele frequency attached by ClinVar (database versions not stated): gnomAD exomes 0.00010 and 0.00015; ExAC 0.00015; ESP Exome Variant Server 0.00017; TOPMed 0.00026; gnomAD 0.00032.
gnomAD v4.1: 260 of 1,606,998 alleles (0.016%); highest among the groups gnomAD compares: African/African-American, 0.036%; no homozygotes.

Submissions (2):

Blueprint Genetics
Classification: Uncertain significance. Last evaluated: 2024-04-11. Review status: criteria provided, single submitter. Criteria: ACMG Guidelines, 2015. Collection method: clinical testing. Allele origin: germline.

Labcorp Genetics (formerly Invitae), Labcorp
Classification: Uncertain significance for Severe combined immunodeficiency due to DNA-PKcs deficiency. Last evaluated: 2022-07-26. Review status: criteria provided, single submitter. Criteria: Invitae Variant Classification Sherloc (09022015). Collection method: clinical testing. Allele origin: germline.
Comment: This sequence change replaces valine, which is neutral and non-polar, with isoleucine, which is neutral and non-polar, at codon 3490 of the PRKDC protein (p.Val3490Ile). This variant is present in population databases (rs371869259, gnomAD 0.06%). This variant has not been reported in the literature in individuals affected with PRKDC-related conditions. ClinVar contains an entry for this variant (Variation ID: 642305). Algorithms developed to predict the effect of missense changes on protein structure and function output the following: SIFT: "Not Available"; PolyPhen-2: "Not Available"; Align-GVGD: "Not Available". The isoleucine amino acid residue is found in multiple mammalian species, which suggests that this missense change does not adversely affect protein function. In summary, the available evidence is currently insufficient to determine the role of this variant in disease. Therefore, it has been classified as a Variant of Uncertain Significance.

NM_006904.7(PRKDC):c.10468G>A (p.Val3490Ile)

Gene: PRKDC (protein kinase, DNA-activated, catalytic subunit; minus strand). Cytogenetic location: 8q11.21.
Variant type: single nucleotide variant.
Coding change: c.10468G>A on transcript NM_006904.7 (MANE Select); coding-DNA position 10468, G replaced by A.
Protein change: p.Val3490Ile; replaces valine 3490 with isoleucine.
Molecular consequence: missense variant.
Genome position (GRCh38, 1-based): chr8:47,794,492, C>T on the plus strand (G>A on the coding strand, the complement: PRKDC is on the minus strand). VCF-style: chr8-47794492-C-T. GRCh37 (hg19) VCF-style: chr8-48707053-C-T.
Other names: c.10468G>A, p.Val3490Ile (NM_001081640.2); short protein forms V3490I.
Identifiers: ClinVar variation 642305 (VCV000642305.4), dbSNP rs371869259, ClinGen allele CA4739306.